The following is an entry in ClinVar:

ClinVar aggregate classification (germline): Conflicting classifications of pathogenicity. Review status: criteria provided, conflicting classifications (1 of 4 stars). 3 submissions from 3 submitters: Uncertain significance (1); Benign (1); Likely benign (1). Last evaluated 2025-09-02.

Conditions:
Intellectual developmental disorder, autosomal dominant 47. Also called: Intellectual disability, autosomal dominant 47; MENTAL RETARDATION, AUTOSOMAL DOMINANT 47. Identifiers: Orphanet 502434, MedGen C4539951, MONDO:0030912, OMIM 617635.

Allele frequency attached by ClinVar (database versions not stated): ExAC 0.00005; gnomAD exomes 0.00007 and 0.00011; gnomAD 0.00004; TOPMed 0.00005.
gnomAD v4.1: 111 of 1,611,152 alleles (0.0069%); highest among the groups gnomAD compares: Non-Finnish European, 0.0014%; no homozygotes.

Submissions (3):

Labcorp Genetics (formerly Invitae), Labcorp
Classification: Benign. Last evaluated: 2025-09-02. Review status: criteria provided, single submitter. Criteria: Invitae Variant Classification Sherloc (09022015). Collection method: clinical testing. Allele origin: germline.

Department of Pathology and Laboratory Medicine, Sinai Health System
Classification: Likely benign for Intellectual developmental disorder, autosomal dominant 47. Last evaluated: 2021-09-22. Review status: criteria provided, single submitter. Criteria: ACMG Guidelines, 2015. Collection method: research. Allele origin: germline.

New York Genome Center
Classification: Uncertain significance for Intellectual developmental disorder, autosomal dominant 47. Last evaluated: 2021-05-24. Review status: criteria provided, single submitter. Criteria: NYGC Assertion Criteria 2020. Collection method: clinical testing. Allele origin: inherited. Observed: 1 heterozygote. Study: CSER-NYCKidSeq.

NM_005862.3(STAG1):c.1189G>C (p.Val397Leu)

Gene: STAG1 (STAG1 cohesin complex component; minus strand). Cytogenetic location: 3q22.3.
Variant type: single nucleotide variant.
Coding change: c.1189G>C on transcript NM_005862.3 (MANE Select); coding-DNA position 1189, G replaced by C.
Protein change: p.Val397Leu; replaces valine 397 with leucine.
Molecular consequence: missense variant.
Genome position (GRCh38, 1-based): chr3:136,472,429, C>G on the plus strand (G>C on the coding strand, the complement: STAG1 is on the minus strand). VCF-style: chr3-136472429-C-G. GRCh37 (hg19) VCF-style: chr3-136191271-C-G.
Other names: short protein forms V397L.
Identifiers: ClinVar variation 1679663 (VCV001679663.9), dbSNP rs201846240, ClinGen allele CA2632978.